The following is an entry in ClinVar:

ClinVar aggregate classification (germline): Uncertain significance. Review status: criteria provided, multiple submitters, no conflicts (2 of 4 stars). 2 submissions from 2 submitters: Uncertain significance (2). Last evaluated 2024-04-16.

Conditions:
Hereditary cancer-predisposing syndrome. Also called: Hereditary neoplastic syndrome; Tumor predisposition; Neoplastic Syndromes, Hereditary; Hereditary Cancer Syndrome. Identifiers: Orphanet 140162, MedGen C0027672, MeSH D009386, MONDO:0015356.
Familial cancer of breast. Also called: hereditary breast carcinoma; BREAST CANCER, FAMILIAL; Hereditary breast cancer. Identifiers: Orphanet 227535, MedGen C0346153, MONDO:0016419, OMIM 114480. Disease mechanism: loss of function.

gnomAD v4.1: 2 of 1,598,306 alleles (0.00013%); highest among the groups gnomAD compares: Non-Finnish European, 0.00017%; no homozygotes.

Submissions (2):

Labcorp Genetics (formerly Invitae), Labcorp
Classification: Uncertain significance for Familial cancer of breast. Last evaluated: 2024-04-16. Review status: criteria provided, single submitter. Criteria: Invitae Variant Classification Sherloc (09022015). Collection method: clinical testing. Allele origin: germline.
Comment: This sequence change replaces proline, which is neutral and non-polar, with arginine, which is basic and polar, at codon 213 of the CHEK2 protein (p.Pro213Arg). This variant is not present in population databases (gnomAD no frequency). This variant has not been reported in the literature in individuals affected with CHEK2-related conditions. ClinVar contains an entry for this variant (Variation ID: 571249). An algorithm developed to predict the effect of missense changes on protein structure and function (PolyPhen-2) suggests that this variant is likely to be disruptive. In summary, the available evidence is currently insufficient to determine the role of this variant in disease. Therefore, it has been classified as a Variant of Uncertain Significance.

Ambry Genetics
Classification: Uncertain significance for Hereditary cancer-predisposing syndrome. Last evaluated: 2021-08-05. Review status: criteria provided, single submitter. Criteria: Ambry Variant Classification Scheme 2023. Collection method: clinical testing. Allele origin: germline.
Comment: The p.P213R variant (also known as c.638C>G), located in coding exon 4 of the CHEK2 gene, results from a C to G substitution at nucleotide position 638. The proline at codon 213 is replaced by arginine, an amino acid with dissimilar properties. This amino acid position is conserved. In addition, this alteration is predicted to be deleterious by in silico analysis. Since supporting evidence is limited at this time, the clinical significance of this alteration remains unclear.

NM_007194.4(CHEK2):c.638C>G (p.Pro213Arg)

Gene: CHEK2 (checkpoint kinase 2; minus strand). Cytogenetic location: 22q12.1.
Variant type: single nucleotide variant.
Coding change: c.638C>G on transcript NM_007194.4 (MANE Select); coding-DNA position 638, C replaced by G.
Protein change: p.Pro213Arg; replaces proline 213 with arginine.
Molecular consequence: missense variant. On other transcripts: 5 prime UTR variant (2), intron variant (1).
Genome position (GRCh38, 1-based): chr22:28,719,440, G>C on the plus strand (C>G on the coding strand, the complement: CHEK2 is on the minus strand). VCF-style: chr22-28719440-G-C. GRCh37 (hg19) VCF-style: chr22-29115428-G-C.
Other names: c.767C>G, p.Pro256Arg (NM_001005735.3, NM_001438294.1); c.-26C>G (NM_001257387.3, NM_001437942.1); c.731C>G, p.Pro244Arg (NM_001438293.1, NM_001438295.1); c.638C>G, p.Pro213Arg (NM_145862.3); c.482+5446C>G (NM_001349956.3); short protein forms P213R, P256R, P244R.
Identifiers: ClinVar variation 571249 (VCV000571249.12), dbSNP rs1569149890, ClinGen allele CA411105015.